The following is an entry in ClinVar:

ClinVar aggregate classification (germline): Uncertain significance (1 of 4 stars; one submission).

gnomAD v4.1: 4 of 1,608,204 alleles (0.00025%); highest among the groups gnomAD compares: Admixed American, 0.0034%; no homozygotes.

Submission:

GeneDx
Classification: Uncertain significance. Last evaluated: 2024-05-23. Review status: criteria provided, single submitter. Criteria: GeneDx Variant Classification Process June 2021. Collection method: clinical testing. Allele origin: germline. Affected: yes.
Comment: Not observed at significant frequency in large population cohorts (gnomAD); In silico analysis indicates that this missense variant does not alter protein structure/function; Has not been previously published as pathogenic or benign to our knowledge

NM_016011.5(MECR):c.81C>A (p.His27Gln)

Gene: MECR (mitochondrial trans-2-enoyl-CoA reductase; minus strand). Cytogenetic location: 1p35.3.
Variant type: single nucleotide variant.
Coding change: c.81C>A on transcript NM_016011.5 (MANE Select); coding-DNA position 81, C replaced by A.
Protein change: p.His27Gln; replaces histidine 27 with glutamine.
Molecular consequence: missense variant. On other transcripts: 5 prime UTR variant (6), non-coding transcript variant (4).
Genome position (GRCh38, 1-based): chr1:29,230,826, G>T on the plus strand (C>A on the coding strand, the complement: MECR is on the minus strand). VCF-style: chr1-29230826-G-T. GRCh37 (hg19) VCF-style: chr1-29557338-G-T.
Other names: c.-275C>A (NM_001024732.4); c.-479C>A (NM_001349711.2); c.-480C>A (NM_001349712.2); c.-357C>A (NM_001349713.2); c.-269C>A (NM_001349714.2); c.81C>A, p.His27Gln (NM_001349715.2, NM_001349716.2); c.-62C>A (NM_001349717.2); short protein forms H27Q.
Identifiers: ClinVar variation 3384427 (VCV003384427.1).